The following is an entry in ClinVar:

NM_007294.4(BRCA1):c.4484G>T (p.Arg1495Met)

Gene: BRCA1 (BRCA1 DNA repair associated; minus strand). Cytogenetic location: 17q21.31.
Variant type: single nucleotide variant.
Coding change: c.4484G>T on transcript NM_007294.4 (MANE Select); coding-DNA position 4484, G replaced by T.
Protein change: p.Arg1495Met; replaces arginine 1495 with methionine.
Molecular consequence: missense variant. On other transcripts: non-coding transcript variant (1).
Genome position (GRCh38, 1-based): chr17:43,076,488, C>A on the plus strand (G>T on the coding strand, the complement: BRCA1 is on the minus strand). VCF-style: chr17-43076488-C-A. GRCh37 (hg19) VCF-style: chr17-41228505-C-A.
Other names: p.R1495M:AGG>ATG; 4603G>T; c.3593G>T, p.Arg1198Met (NM_001407967.1); c.1880G>T, p.Arg627Met (NM_001407968.1); c.1877G>T, p.Arg626Met (NM_001407969.1); c.1241G>T, p.Arg414Met (NM_001407970.1, NM_001407971.1); c.1238G>T, p.Arg413Met (NM_001407972.1); c.1175G>T, p.Arg392Met (NM_001407973.1, NM_001407974.1, NM_001407975.1 and 3 more transcripts); and 71 more; short protein forms R1495M, R1516M, R1448M, R391M, R1198M, R1326M, R1368M, R1383M.
Identifiers: ClinVar variation 37598 (VCV000037598.90), dbSNP rs80357389, ClinGen allele CA002876.

ClinVar aggregate classification (germline): Pathogenic. Review status: criteria provided, multiple submitters, no conflicts (2 of 4 stars). 32 submissions from 31 submitters: Pathogenic (26). 6 of the submissions do not count toward it. Last evaluated 2026-06-23.

Conditions:
Breast-ovarian cancer, familial, susceptibility to, 1 (BROVCA1). Also called: OVARIAN CANCER, SUSCEPTIBILITY TO; BRCA1 Hereditary Breast and Ovarian Cancer. Identifiers: Orphanet 145, MedGen C2676676, MONDO:0011450, OMIM 604370. Disease mechanism: loss of function.
Pancreatic cancer, susceptibility to, 4. Identifiers: Orphanet 1333, MedGen C3280442, MONDO:0013685, OMIM 614320.
Fanconi anemia, complementation group S (FANCS). Identifiers: MedGen C4554406, MONDO:0054748, OMIM 617883.
Inherited ovarian cancer (without breast cancer).
Breast and/or ovarian cancer. Identifiers: MedGen CN221562.
Hereditary cancer-predisposing syndrome. Also called: Tumor predisposition; Neoplastic Syndromes, Hereditary; Hereditary Cancer Syndrome; Hereditary neoplastic syndrome. Identifiers: Orphanet 140162, MedGen C0027672, MeSH D009386, MONDO:0015356.
Hereditary breast ovarian cancer syndrome. Also called: Hereditary breast and ovarian cancer syndrome (HBOC); Hereditary breast and ovarian cancer syndrome; Hereditary breast and ovarian cancer; Hereditary breast and/or ovarian cancer syndrome; Breast and ovarian cancer; BRCA1- and BRCA2-Associated Hereditary Breast and Ovarian Cancer. Identifiers: Orphanet 145, MedGen C0677776, MeSH D061325, MONDO:0003582. Disease mechanism: loss of function.
Familial cancer of breast. Also called: Hereditary breast cancer; hereditary breast carcinoma; BREAST CANCER, FAMILIAL. Identifiers: Orphanet 227535, MedGen C0346153, MONDO:0016419, OMIM 114480. Disease mechanism: loss of function.

Allele frequency attached by ClinVar (database versions not stated): gnomAD exomes below 0.00001; ExAC 0.00001; TOPMed 0.00001.

Submissions 1 to 9 of 32:

Genetics Laboratory, Great Ormond Street Hospital NHS Foundation Trust, North Thames Genomic Laboratory Hub
Classification: Pathogenic for Inherited ovarian cancer (without breast cancer). Last evaluated: 2026-06-23. Review status: criteria provided, single submitter. Criteria: CanVIG BRCA Gene Specific V1.22. Collection method: clinical testing. Allele origin: germline. Affected: yes.
Comment: PS4_supporting, PM2_supporting, PVS1_strong, PP4_strong

Dasa
Classification: Pathogenic for Breast-ovarian cancer, familial, susceptibility to, 1. Last evaluated: 2026-04-16. Review status: criteria provided, single submitter. Criteria: DASA Assertion Criteria. Collection method: clinical testing. Allele origin: germline.
Comment: NM_007294.4(BRCA1):c.4484G>T (p.Arg1495Met) is a missense variant that results in the substitution of arginine with methionine. Functional evidence supports a deleterious effect on the gene or gene product (PMID: 24607278; PMID: 12915465; PMID: 22505045; PMID: 23893897). This variant has been recurrently observed in individuals with Breast-ovarian cancer, familial, susceptibility to, 1 (PMID: 24607278; PMID: 12915465; PMID: 22505045; PMID: 23893897). Segregation evidence has been reported in affected families. The variant is present at low frequency in population datasets. Based on the available data, this variant is classified as pathogenic.

Labcorp Genetics (formerly Invitae), Labcorp
Classification: Pathogenic for Hereditary breast ovarian cancer syndrome. Last evaluated: 2026-01-02. Review status: criteria provided, single submitter. Criteria: Invitae Variant Classification Sherloc (09022015). Collection method: clinical testing. Allele origin: germline.
Comment: This sequence change replaces arginine, which is basic and polar, with methionine, which is neutral and non-polar, at codon 1495 of the BRCA1 protein (p.Arg1495Met). RNA analysis indicates that this missense change induces altered splicing and may result in an absent or altered protein product. This variant is present in population databases (rs80357389, gnomAD 0.0009%). This missense change has been observed in individual(s) with breast and ovarian cancer (PMID: 10571952, 10923033, 22144684, 23096355, 24607278). It has also been observed to segregate with disease in related individuals. This variant is also known as 4603G>T and c.4547G>T. ClinVar contains an entry for this variant (Variation ID: 37598). An algorithm developed to predict the effect of missense changes on protein structure and function (PolyPhen-2) suggests that this variant is likely to be tolerated. Variants that disrupt the consensus splice site are a relatively common cause of aberrant splicing (PMID: 17576681, 9536098). Studies have shown that this missense change results in skipping of exon 13, and produces a non-functional protein and/or introduces a premature termination codon (PMID: 10571952, 12915465, 21120943, 24607278; internal data). For these reasons, this variant has been classified as Pathogenic.

Mayo Clinic Laboratories, Mayo Clinic
Classification: Pathogenic. Last evaluated: 2025-11-01. Review status: criteria provided, single submitter. Criteria: ACMG Guidelines, 2015. Collection method: clinical testing. Allele origin: germline. Observed: 2 variant alleles.
Comment: PP1, PP4_very_strong, PVS1_strong

KCCC/NGS Laboratory, Kuwait Cancer Control Center
Classification: Pathogenic for Breast-ovarian cancer, familial, susceptibility to, 1. Last evaluated: 2025-07-07. Review status: criteria provided, single submitter. Criteria: ACMG Guidelines, 2015. Collection method: clinical testing. Allele origin: germline. Inheritance: Autosomal dominant inheritance. Affected: yes. Observed: 1 heterozygote.
Comment: This sequence change replaces arginine, which is basic and polar, with methionine, which is neutral and non-polar, at codon 1495 of the BRCA1 protein (p.Arg1495Met). RNA analysis indicates that this missense change induces altered splicing and may result in an absent or altered protein product. This nucleotide position is highly conserved. This variant is present in population databases (rs80357389, gnomAD 0.0009%). This missense change has been observed in individual(s) with breast and ovarian cancer (PMID: 10571952, 10923033, 22144684, 23096355, 24607278). It has also been observed to segregate with disease in related individuals. This variant is also known as 4603G>T and c.4547G>T. ClinVar contains an entry for this variant (Variation ID: 37598). An algorithm developed to predict the effect of missense changes on protein structure and function (PolyPhen-2) suggests that this variant¬†is likely to be tolerated. Variants that disrupt the consensus splice site are a relatively common cause of aberrant splicing (PMID: 17576681, 9536098). Studies have shown that this missense change results in skipping of exon 13, and produces a non-functional protein and/or introduces a premature termination codon (PMID: 10571952, 12915465, 21120943, 24607278). For these reasons, this variant has been classified as Pathogenic

Laboratorio de Genetica e Diagnostico Molecular, Hospital Israelita Albert Einstein
Classification: Pathogenic for Breast-ovarian cancer, familial, susceptibility to, 1. Last evaluated: 2025-06-05. Review status: criteria provided, single submitter. Criteria: ACMG Guidelines, 2015. Collection method: clinical testing. Allele origin: germline. Affected: yes.
Comment: This sequence change replaces arginine with methionine at codon 1495 of the BRCA1 protein. RNA analysis of this variant indicates that it generates a predominant alternate transcript out-of-frame (PMID: 22505045, 24569164, 24607278). This variant is observed in a single individual from population database gnomAD v3 (non-cancer). It was previously reported in multiple individuals with BRCA1-associated phenotype, co-segregating with disease in affected family members, demonstrating a combined likelihood ratio between 4.3:1 and 18.7:1 (PMID: 17924331, 24607278). Considering the current evidence and ClinGen ENIGMA BRCA1 and BRCA2 Expert Panel Specifications to the ACMG/AMP Variant Interpretation Guidelines for BRCA1 Version 1.2.0, it is classified as a Pathogenic (PVS1 (RNA) very strong, PM2 supporting, PP4 moderate).

Department of Clinical Genetics, Copenhagen University Hospital, Rigshospitalet
Classification: Pathogenic for Hereditary cancer-predisposing syndrome. Last evaluated: 2025-03-05. Review status: criteria provided, single submitter. Criteria: ACMG Guidelines, 2015. Collection method: clinical testing. Allele origin: germline.
Comment: The following ACMG criteria has been used: PM2_SUP; PVS1 (RNA); PP1; PM5_Strong (PTC)

Institute of Human Genetics, Heidelberg University
Classification: Pathogenic for Breast-ovarian cancer, familial, susceptibility to, 1. Last evaluated: 2025-02-11. Review status: criteria provided, single submitter. Criteria: ACMG Guidelines, 2015. Collection method: clinical testing. Allele origin: paternal. Observed: 2 variant alleles.
Comment: PM2_supp, PP3_supp, PS4, PS3

Molecular Pathology, Peter Maccallum Cancer Centre
Classification: Pathogenic for Breast-ovarian cancer, familial, susceptibility to, 1. Last evaluated: 2024-11-20. Review status: criteria provided, single submitter. Criteria: ACMG Guidelines, 2015. Collection method: clinical testing. Allele origin: germline. Inheritance: Autosomal dominant inheritance.